The following is an entry in ClinVar:

ClinVar aggregate classification (germline): Uncertain significance (1 of 4 stars; one submission).

Submission:

Labcorp Genetics (formerly Invitae), Labcorp
Classification: Uncertain significance. Last evaluated: 2024-11-29. Review status: criteria provided, single submitter. Criteria: Invitae Variant Classification Sherloc (09022015). Collection method: clinical testing. Allele origin: germline.
Comment: This sequence change replaces threonine, which is neutral and polar, with isoleucine, which is neutral and non-polar, at codon 337 of the CEACAM16 protein (p.Thr337Ile). This variant is not present in population databases (gnomAD no frequency). This variant has not been reported in the literature in individuals affected with CEACAM16-related conditions. ClinVar contains an entry for this variant (Variation ID: 2879008). Invitae Evidence Modeling of protein sequence and biophysical properties (such as structural, functional, and spatial information, amino acid conservation, physicochemical variation, residue mobility, and thermodynamic stability) indicates that this missense variant is not expected to disrupt CEACAM16 protein function with a negative predictive value of 80%. In summary, the available evidence is currently insufficient to determine the role of this variant in disease. Therefore, it has been classified as a Variant of Uncertain Significance.

NM_001039213.4(CEACAM16):c.1010C>T (p.Thr337Ile)

Genes: CEACAM16 (CEA cell adhesion molecule 16, tectorial membrane component; plus strand), CEACAM16-AS1 (CEACAM16, CEACAM19 and PVR antisense RNA 1; minus strand). Cytogenetic location: 19q13.32.
Variant type: single nucleotide variant.
Coding change: c.1010C>T on transcript NM_001039213.4 (MANE Select); coding-DNA position 1010, C replaced by T.
Protein change: p.Thr337Ile; replaces threonine 337 with isoleucine.
Molecular consequence: missense variant.
Genome position (GRCh38, 1-based): chr19:44,707,930, C>T. VCF-style: chr19-44707930-C-T. GRCh37 (hg19) VCF-style: chr19-45211202-C-T.
Other names: short protein forms T337I.
Identifiers: ClinVar variation 2879008 (VCV002879008.3), dbSNP rs1014109809, ClinGen allele CA406293133.